The following is an entry in ClinVar:

NM_015443.4(KANSL1):c.803C>T (p.Ser268Phe)

Gene: KANSL1 (KAT8 regulatory NSL complex subunit 1). Cytogenetic location: 17q21.31.
Variant type: single nucleotide variant.
Coding change: c.803C>T on transcript NM_015443.4 (MANE Select); coding-DNA position 803, C replaced by T.
Protein change: p.Ser268Phe; replaces serine 268 with phenylalanine.
Molecular consequence: missense variant.
Genome position (GRCh38, 1-based): chr17:46,171,341, G>A on the plus strand (C>T on the coding strand, the complement: KANSL1 is on the minus strand). VCF-style: chr17-46171341-G-A. GRCh37 (hg19) VCF-style: chr17-44248707-G-A.
Other names: c.803C>T, p.Ser268Phe (NM_001193465.2, NM_001193466.2, NM_001379198.1); short protein forms S268F.
Identifiers: ClinVar variation 514645 (VCV000514645.7), dbSNP rs1343422507, ClinGen allele CA399980675.

ClinVar aggregate classification (germline): Conflicting classifications of pathogenicity. Review status: criteria provided, conflicting classifications (1 of 4 stars). 3 submissions from 3 submitters: Uncertain significance (2); Likely benign (1). Last evaluated 2025-08-28.

Conditions:
Inborn genetic diseases. Identifiers: MedGen C0950123, MeSH D030342.
Koolen-de Vries syndrome (KDVS). Identifiers: Orphanet 96169, MedGen C1864871, MONDO:0012496, OMIM 610443.

Allele frequency attached by ClinVar (database versions not stated): gnomAD 0.00001 and 0.00002; gnomAD exomes 0.00001; TOPMed 0.00002.
gnomAD v4.1: 7 of 1,614,060 alleles (0.00043%); highest among the groups gnomAD compares: Admixed American, 0.01%; no homozygotes.

Submissions (3):

Ambry Genetics
Classification: Uncertain significance for Inborn genetic diseases. Last evaluated: 2025-08-28. Review status: criteria provided, single submitter. Criteria: Ambry Variant Classification Scheme 2023. Collection method: clinical testing. Allele origin: germline.

Labcorp Genetics (formerly Invitae), Labcorp
Classification: Uncertain significance for Koolen-de Vries syndrome. Last evaluated: 2021-09-17. Review status: criteria provided, single submitter. Criteria: Invitae Variant Classification Sherloc (09022015). Collection method: clinical testing. Allele origin: germline.
Comment: Due to the possible presence of a polymorphic segmental duplication, the location of the variant could not be unambiguously resolved. Variants with ambiguous mapping are still reported relative to the KANSL1 transcript. This sequence change replaces serine with phenylalanine at codon 268 of the KANSL1 protein (p.Ser268Phe). The serine residue is highly conserved and there is a large physicochemical difference between serine and phenylalanine. The frequency data for this variant in the population databases (ExAC) is considered unreliable due to the presence of homologous sequence, such as pseudogenes or paralogs, in the genome. This variant has not been reported in the literature in individuals with KANSL1-related conditions. ClinVar contains an entry for this variant (Variation ID: 514645). Algorithms developed to predict the effect of missense changes on protein structure and function are either unavailable or do not agree on the potential impact of this missense change (SIFT: "Deleterious"; PolyPhen-2: "Benign"; Align-GVGD: "Class C25"). Until the location of this sequence change can be resolved, the clinical significance of this variant remains uncertain. It has been classified as a Variant of Uncertain Significance.

GeneDx
Classification: Likely benign. Last evaluated: 2018-01-09. Review status: criteria provided, single submitter. Criteria: GeneDx Variant Classification (06012015). Collection method: clinical testing. Allele origin: germline. Affected: yes.
Comment: This variant is considered likely benign or benign based on one or more of the following criteria: it is a conservative change, it occurs at a poorly conserved position in the protein, it is predicted to be benign by multiple in silico algorithms, and/or has population frequency not consistent with disease.